The following is an entry in ClinVar:

ClinVar aggregate classification (germline): Uncertain significance (1 of 4 stars; one submission).

Conditions:
Emery-Dreifuss muscular dystrophy 4, autosomal dominant (EDMD4). Also called: EMERY-DREIFUSS MUSCULAR DYSTROPHY 4 WITH VARIABLE FEATURES. Identifiers: Orphanet 261, MedGen C2751807, MONDO:0013071, OMIM 612998.
Autosomal recessive ataxia, Beauce type. Also called: SYNE1-Related Autosomal Recessive Cerebellar Ataxia; Spinocerebellar ataxia, autosomal recessive 8; ATAXIA, RECESSIVE, OF BEAUCE; SYNE1 Deficiency. Identifiers: Orphanet 88644, MedGen C1853116, MONDO:0012549, OMIM 610743.

Allele frequency attached by ClinVar (database versions not stated): ExAC 0.00001; gnomAD 0.00003; TOPMed 0.00005.
gnomAD v4.1: 8 of 1,613,952 alleles (0.0005%); highest among the groups gnomAD compares: African/African-American, 0.011%; no homozygotes.

Submission:

Labcorp Genetics (formerly Invitae), Labcorp
Classification: Uncertain significance for Emery-Dreifuss muscular dystrophy 4, autosomal dominant; Autosomal recessive ataxia, Beauce type. Last evaluated: 2022-01-14. Review status: criteria provided, single submitter. Criteria: Invitae Variant Classification Sherloc (09022015). Collection method: clinical testing. Allele origin: germline.
Comment: In summary, the available evidence is currently insufficient to determine the role of this variant in disease. Therefore, it has been classified as a Variant of Uncertain Significance. Algorithms developed to predict the effect of missense changes on protein structure and function (SIFT, PolyPhen-2, Align-GVGD) all suggest that this variant is likely to be disruptive. ClinVar contains an entry for this variant (Variation ID: 471030). This variant has not been reported in the literature in individuals affected with SYNE1-related conditions. This variant is present in population databases (rs749743156, gnomAD 0.008%). This sequence change replaces valine, which is neutral and non-polar, with leucine, which is neutral and non-polar, at codon 7554 of the SYNE1 protein (p.Val7554Leu).

NM_182961.4(SYNE1):c.22873G>C (p.Val7625Leu)

Gene: SYNE1 (spectrin repeat containing nuclear envelope protein 1; minus strand). Cytogenetic location: 6q25.2.
Variant type: single nucleotide variant.
Coding change: c.22873G>C on transcript NM_182961.4 (MANE Select); coding-DNA position 22873, G replaced by C.
Protein change: p.Val7625Leu; replaces valine 7625 with leucine.
Molecular consequence: missense variant.
Genome position (GRCh38, 1-based): chr6:152,206,314, C>G on the plus strand (G>C on the coding strand, the complement: SYNE1 is on the minus strand). VCF-style: chr6-152206314-C-G. GRCh37 (hg19) VCF-style: chr6-152527449-C-G.
Other names: c.22660G>C, p.Val7554Leu (NM_033071.5); short protein forms V7554L, V7625L.
Identifiers: ClinVar variation 471030 (VCV000471030.6), dbSNP rs749743156, ClinGen allele CA4053768.
Genomic context (GRCh38, chr6:152,206,314, plus strand): 5'-CCTGCAAGGCGGCCTCAGCGCCACTGTCCGCCGAGAGAAGGAGTTGCTTGCCAGCCTCCA[C>G]AGTCAGGATGTAGCTGCCTTGTTGCCGCAGAAACACTTTTTCTTTGAACTGAAAGGAACC-3'
Protein context (NP_892006.3, residues 7615-7635): LRQQGSYILT[Val7625Leu]EAGKQLLLSA